The following is an entry in ClinVar:

ClinVar aggregate classification (germline): Uncertain significance (1 of 4 stars; one submission).

Conditions:
Pachyonychia congenita 3 (PC3). Also called: KRT6A-Related Pachyonychia Congenita; PC-K6a. Identifiers: Orphanet 2309, MedGen C3714948, MONDO:0014324, OMIM 615726.

Submission:

Neuberg Centre For Genomic Medicine, NCGM
Classification: Uncertain significance for Pachyonychia congenita 3. Review status: criteria provided, single submitter. Criteria: ACMG Guidelines, 2015. Collection method: clinical testing. Allele origin: germline. Affected: yes.
Comment: The missense variant p.G510V in KRT6A (NM_005554.4) has not been reported previously as a pathogenic variant nor as a benign variant, to our knowledge. The p.G510V variant is novel (not in any individuals) in gnomAD Exomes and is novel (not in any individuals) in 1000 Genomes. For these reasons, this variant has been classified as Uncertain Significance.

NM_005554.4(KRT6A):c.1529G>T (p.Gly510Val)

Gene: KRT6A (keratin 6A; minus strand). Cytogenetic location: 12q13.13.
Variant type: single nucleotide variant.
Coding change: c.1529G>T on transcript NM_005554.4 (MANE Select); coding-DNA position 1529, G replaced by T.
Protein change: p.Gly510Val; replaces glycine 510 with valine.
Molecular consequence: missense variant.
Genome position (GRCh38, 1-based): chr12:52,487,886, C>A on the plus strand (G>T on the coding strand, the complement: KRT6A is on the minus strand). VCF-style: chr12-52487886-C-A. GRCh37 (hg19) VCF-style: chr12-52881670-C-A.
Other names: short protein forms G510V.
Identifiers: ClinVar variation 1339080 (VCV001339080.2), dbSNP rs1195451609, ClinGen allele CA384952772.